The following is an entry in ClinVar:

NM_078629.4(MSL3):c.1306G>C (p.Asp436His)

Gene: MSL3 (MSL complex subunit 3; plus strand). Cytogenetic location: Xp22.2.
Variant type: single nucleotide variant.
Coding change: c.1306G>C on transcript NM_078629.4 (MANE Select); coding-DNA position 1306, G replaced by C.
Protein change: p.Asp436His; replaces aspartic acid 436 with histidine.
Molecular consequence: missense variant.
Genome position (GRCh38, 1-based): chrX:11,772,180, G>C. VCF-style: chrX-11772180-G-C. GRCh37 (hg19) VCF-style: chrX-11790299-G-C.
Other names: c.1270G>C, p.Asp424His (NM_001193270.2); c.859G>C, p.Asp287His (NM_001282174.1); c.808G>C, p.Asp270His (NM_006800.4); short protein forms D270H, D287H, D424H, D436H.
Identifiers: ClinVar variation 3363368 (VCV003363368.1).

ClinVar aggregate classification (germline): Uncertain significance (1 of 4 stars; one submission).

Submission:

GeneDx
Classification: Uncertain significance. Last evaluated: 2023-10-26. Review status: criteria provided, single submitter. Criteria: GeneDx Variant Classification Process June 2021. Collection method: clinical testing. Allele origin: germline. Affected: yes.
Comment: Not observed at significant frequency in large population cohorts (gnomAD); In silico analysis supports that this missense variant has a deleterious effect on protein structure/function; Has not been previously published as pathogenic or benign to our knowledge